The following is an entry in ClinVar:

ClinVar aggregate classification (germline): Uncertain significance (1 of 4 stars; one submission).

Allele frequency attached by ClinVar (database versions not stated): gnomAD exomes below 0.00001; ExAC 0.00001; gnomAD 0.00001.
gnomAD v4.1: 5 of 1,611,410 alleles (0.00031%); highest among the groups gnomAD compares: African/African-American, 0.0013%; no homozygotes.

Submission:

Labcorp Genetics (formerly Invitae), Labcorp
Classification: Uncertain significance. Last evaluated: 2021-10-02. Review status: criteria provided, single submitter. Criteria: Invitae Variant Classification Sherloc (09022015). Collection method: clinical testing. Allele origin: germline.
Comment: In summary, the available evidence is currently insufficient to determine the role of this variant in disease. Therefore, it has been classified as a Variant of Uncertain Significance. Algorithms developed to predict the effect of missense changes on protein structure and function are either unavailable or do not agree on the potential impact of this missense change (SIFT: "Deleterious"; PolyPhen-2: "Possibly Damaging"; Align-GVGD: "Class C15"). This variant has not been reported in the literature in individuals affected with EXOSC2-related conditions. This variant is present in population databases (rs757105392, ExAC 0.01%). This sequence change replaces aspartic acid with valine at codon 31 of the EXOSC2 protein (p.Asp31Val). The aspartic acid residue is highly conserved and there is a large physicochemical difference between aspartic acid and valine.

NM_014285.7(EXOSC2):c.92A>T (p.Asp31Val)

Genes: EXOSC2 (exosome component 2; plus strand), LOC130002815 (ATAC-STARR-seq lymphoblastoid active region 29156; plus strand). Cytogenetic location: 9q34.12.
Variant type: single nucleotide variant.
Coding change: c.92A>T on transcript NM_014285.7 (MANE Select); coding-DNA position 92, A replaced by T.
Protein change: p.Asp31Val; replaces aspartic acid 31 with valine.
Molecular consequence: missense variant. On other transcripts: non-coding transcript variant (1).
Genome position (GRCh38, 1-based): chr9:130,693,883, A>T. VCF-style: chr9-130693883-A-T. GRCh37 (hg19) VCF-style: chr9-133569270-A-T.
Other names: c.92A>T, p.Asp31Val (NM_001282708.1, NM_001282709.1); short protein forms D31V.
Identifiers: ClinVar variation 1501466 (VCV001501466.6), dbSNP rs757105392, ClinGen allele CA5284735.